The following is an entry in ClinVar:

NM_016034.5(MRPS2):c.752G>A (p.Arg251Lys)

Genes: MRPS2 (mitochondrial ribosomal protein S2; plus strand), LOC101928525 (uncharacterized LOC101928525; minus strand). Cytogenetic location: 9q34.3.
Variant type: single nucleotide variant.
Coding change: c.752G>A on transcript NM_016034.5 (MANE Select); coding-DNA position 752, G replaced by A.
Protein change: p.Arg251Lys; replaces arginine 251 with lysine.
Molecular consequence: missense variant. On other transcripts: non-coding transcript variant (4).
Genome position (GRCh38, 1-based): chr9:135,503,994, G>A. VCF-style: chr9-135503994-G-A. GRCh37 (hg19) VCF-style: chr9-138395840-G-A.
Other names: c.752G>A, p.Arg251Lys (NM_001371401.1); short protein forms R251K.
Identifiers: ClinVar variation 2749734 (VCV002749734.1), dbSNP rs150104838, ClinGen allele CA5324017.

ClinVar aggregate classification (germline): Uncertain significance (1 of 4 stars; one submission).

Allele frequency attached by ClinVar (database versions not stated): ESP Exome Variant Server 0.00015; gnomAD exomes 0.00018; ExAC 0.00020; gnomAD 0.00021; TOPMed 0.00023; 1000 Genomes Project 0.00060; 1000 Genomes Project 30x 0.00062.
gnomAD v4.1: 289 of 1,613,612 alleles (0.018%); highest among the groups gnomAD compares: Middle Eastern, 0.2%; 1 homozygote.

Submission:

Labcorp Genetics (formerly Invitae), Labcorp
Classification: Uncertain significance. Last evaluated: 2023-11-21. Review status: criteria provided, single submitter. Criteria: Invitae Variant Classification Sherloc (09022015). Collection method: clinical testing. Allele origin: germline.
Comment: This sequence change replaces arginine, which is basic and polar, with lysine, which is basic and polar, at codon 251 of the MRPS2 protein (p.Arg251Lys). This variant is present in population databases (rs150104838, gnomAD 0.04%). This variant has not been reported in the literature in individuals affected with MRPS2-related conditions. Advanced modeling of protein sequence and biophysical properties (such as structural, functional, and spatial information, amino acid conservation, physicochemical variation, residue mobility, and thermodynamic stability) performed at Invitae indicates that this missense variant is not expected to disrupt MRPS2 protein function with a negative predictive value of 80%. In summary, the available evidence is currently insufficient to determine the role of this variant in disease. Therefore, it has been classified as a Variant of Uncertain Significance.